The following is an entry in ClinVar:

NM_001170629.2(CHD8):c.2509G>A (p.Glu837Lys)

Gene: CHD8 (chromodomain helicase DNA binding protein 8; minus strand). Cytogenetic location: 14q11.2.
Variant type: single nucleotide variant.
Coding change: c.2509G>A on transcript NM_001170629.2 (MANE Select); coding-DNA position 2509, G replaced by A.
Protein change: p.Glu837Lys; replaces glutamic acid 837 with lysine.
Molecular consequence: missense variant.
Genome position (GRCh38, 1-based): chr14:21,408,533, C>T on the plus strand (G>A on the coding strand, the complement: CHD8 is on the minus strand). VCF-style: chr14-21408533-C-T. GRCh37 (hg19) VCF-style: chr14-21876692-C-T.
Other names: c.1672G>A, p.Glu558Lys (NM_020920.4); short protein forms E558K, E837K.
Identifiers: ClinVar variation 3764669 (VCV003764669.2).

ClinVar aggregate classification (germline): Likely pathogenic (1 of 4 stars; one submission).

Conditions:
Intellectual developmental disorder with autism and macrocephaly. Also called: Autism, susceptibility to, 18; CHD8-Related Neurodevelopmental Disorder with Overgrowth. Identifiers: Orphanet 642675, MedGen C3554373, MONDO:0014017, OMIM 615032.

Submission:

Juno Genomics, Hangzhou Juno Genomics, Inc
Classification: Likely pathogenic for Intellectual developmental disorder with autism and macrocephaly. Review status: criteria provided, single submitter. Criteria: ACMG Guidelines, 2015. Collection method: clinical testing. Allele origin: germline. Affected: yes.
Comment: Absent from controls (or at extremely low frequency if recessive) in Genome Aggregation Database, Exome Sequencing Project, 1000 Genomes Project, or Exome Aggregation Consortium.;Multiple lines of computational evidence support a deleterious effect on the gene or gene product (conservation, evolutionary, splicing impact, etc).;Missense variant in a gene that has a low rate of benign missense variation and where missense variants are a common mechanism of disease.